The following is an entry in ClinVar:

ClinVar aggregate classification (germline): Likely pathogenic (1 of 4 stars; one submission).

Conditions:
ZNF469-related disorder. Also called: ZNF469-related condition.

Submission:

PreventionGenetics, part of Exact Sciences
Classification: Likely pathogenic for ZNF469-related condition. Last evaluated: 2025-12-03. Review status: criteria provided, single submitter. Criteria: ACMG Guidelines, 2015. Collection method: clinical testing. Allele origin: germline.
Comment: The ZNF469 c.5220_5221delTC variant is predicted to result in a frameshift and premature protein termination (p.Pro1741Leufs*2). To our knowledge, this variant has not been reported in the literature or in a large population database (gnomAD), indicating this variant is rare. Frameshift variants in ZNF469 are expected to be pathogenic. This variant is interpreted as likely pathogenic.

NM_001367624.2(ZNF469):c.5304_5305del (p.Pro1769fs)

Gene: ZNF469 (zinc finger protein 469; plus strand). Cytogenetic location: 16q24.2.
Variant type: Deletion.
Coding change: c.5304_5305del on transcript NM_001367624.2 (MANE Select); coding-DNA positions 5304 to 5305, 2 bases deleted (TC; older notation c.5304_5305delTC).
Protein change: p.Pro1769fs; shifts the reading frame from proline 1769.
Molecular consequence: frameshift variant.
Genome position (GRCh38, 1-based): chr16:88,432,774-88,432,775, TC deleted. VCF-style (leftmost placement, unchanged base first): chr16-88432773-TTC-T. GRCh37 (hg19) VCF-style: chr16-88499181-TTC-T.
Other names: NM_001127464.2:c.5220_5221delTC; short protein forms P1769fs.
Identifiers: ClinVar variation 4996794 (VCV004996794.1).